The following is an entry in ClinVar:

NM_015512.5(DNAH1):c.7037dup (p.Gly2348fs)

Gene: DNAH1 (dynein axonemal heavy chain 1; plus strand). Cytogenetic location: 3p21.1.
Variant type: Duplication.
Coding change: c.7037dup on transcript NM_015512.5 (MANE Select); coding-DNA position 7037, one base duplicated (C; older notation c.7037dupC).
Protein change: p.Gly2348fs; shifts the reading frame from glycine 2348.
Molecular consequence: frameshift variant.
Genome position (GRCh38, 1-based): chr3:52,375,291, C duplicated; the last of 6 consecutive C bases (chr3:52,375,286-52,375,291); duplicating any one gives the same sequence. VCF-style (leftmost placement, unchanged base first): chr3-52375285-G-GC. GRCh37 (hg19) VCF-style: chr3-52409301-G-GC.
Other names: short protein forms G2348fs.
Identifiers: ClinVar variation 2634623 (VCV002634623.1), dbSNP rs1703538852, ClinGen allele CA543057595.
Genomic context (GRCh38, chr3:52,375,285, plus strand): 5'-CTGCCCCTACTCCAGGTGCCTTCAAGAACCTAGTGGACATCAACTTTGTCTGTGCCATGG[G>GC]CCCCCCGGGTGGAGGCAGGAACACCGTCACCCCGCGGCTGATGCGTCACTTCAACTACCT-3'

ClinVar aggregate classification (germline): Likely pathogenic (1 of 4 stars; one submission).

Conditions:
DNAH1-related disorder. Also called: DNAH1-related condition.

Submission:

PreventionGenetics, part of Exact Sciences
Classification: Likely pathogenic for DNAH1-related condition. Last evaluated: 2023-08-16. Review status: criteria provided, single submitter. Criteria: ACMG Guidelines, 2015. Collection method: clinical testing. Allele origin: germline.
Comment: The DNAH1 c.7037dupC variant is predicted to result in a frameshift and premature protein termination (p.Gly2348Trpfs*21). To our knowledge, this variant has not been reported in the literature. This variant is reported in 0.0034% of alleles in individuals of South Asian descent in gnomAD. Frameshift variants in DNAH1 are expected to be pathogenic. This variant is interpreted as likely pathogenic.